The following is an entry in ClinVar:

ClinVar aggregate classification (germline): Uncertain significance (1 of 4 stars; one submission).

Conditions:
Hereditary cancer-predisposing syndrome. Also called: Neoplastic Syndromes, Hereditary; Tumor predisposition; Hereditary neoplastic syndrome; Hereditary Cancer Syndrome. Identifiers: Orphanet 140162, MedGen C0027672, MeSH D009386, MONDO:0015356.

gnomAD v4.1: 1 of 1,614,164 alleles (0.000062%); highest among the groups gnomAD compares: South Asian, 0.0011%; no homozygotes.

Submission:

Ambry Genetics
Classification: Uncertain significance for Hereditary cancer-predisposing syndrome. Last evaluated: 2023-09-27. Review status: criteria provided, single submitter. Criteria: Ambry Variant Classification Scheme 2023. Collection method: clinical testing. Allele origin: germline.
Comment: The p.Y1242H variant (also known as c.3724T>C), located in coding exon 20 of the DICER1 gene, results from a T to C substitution at nucleotide position 3724. The tyrosine at codon 1242 is replaced by histidine, an amino acid with similar properties. This amino acid position is conserved. In addition, this alteration is predicted to be tolerated by in silico analysis. Since supporting evidence is limited at this time, the clinical significance of this alteration remains unclear.

NM_177438.3(DICER1):c.3724T>C (p.Tyr1242His)

Gene: DICER1 (dicer 1, ribonuclease III; minus strand). Cytogenetic location: 14q32.13.
Variant type: single nucleotide variant.
Coding change: c.3724T>C on transcript NM_177438.3 (MANE Select); coding-DNA position 3724, T replaced by C.
Protein change: p.Tyr1242His; replaces tyrosine 1242 with histidine.
Molecular consequence: missense variant. On other transcripts: non-coding transcript variant (6).
Genome position (GRCh38, 1-based): chr14:95,103,672, A>G on the plus strand (T>C on the coding strand, the complement: DICER1 is on the minus strand). VCF-style: chr14-95103672-A-G. GRCh37 (hg19) VCF-style: chr14-95570009-A-G.
Other names: c.3724T>C, p.Tyr1242His (NM_001195573.1, NM_001271282.3, NM_001291628.2 and 13 more transcripts); c.3442T>C, p.Tyr1148His (NM_001395686.1); c.3319T>C, p.Tyr1107His (NM_001395687.1, NM_001395688.1, NM_001395689.1 and 2 more transcripts); c.3157T>C, p.Tyr1053His (NM_001395691.1); c.2041T>C, p.Tyr681His (NM_001395697.1); short protein forms Y1053H, Y1107H, Y1148H, Y1242H, Y681H.
Identifiers: ClinVar variation 3229390 (VCV003229390.1), dbSNP rs1273768047, ClinGen allele CA390874241.